The following is an entry in ClinVar:

NM_032119.4(ADGRV1):c.6698G>C (p.Gly2233Ala)

Gene: ADGRV1 (adhesion G protein-coupled receptor V1; plus strand). Cytogenetic location: 5q14.3.
Variant type: single nucleotide variant.
Coding change: c.6698G>C on transcript NM_032119.4 (MANE Select); coding-DNA position 6698, G replaced by C.
Protein change: p.Gly2233Ala; replaces glycine 2233 with alanine.
Molecular consequence: missense variant. On other transcripts: non-coding transcript variant (1).
Genome position (GRCh38, 1-based): chr5:90,690,068, G>C. VCF-style: chr5-90690068-G-C. GRCh37 (hg19) VCF-style: chr5-89985885-G-C.
Other names: short protein forms G2233A.
Identifiers: ClinVar variation 1059315 (VCV001059315.9), dbSNP rs1434927865, ClinGen allele CA360367058.

ClinVar aggregate classification (germline): Uncertain significance (1 of 4 stars; one submission).

Allele frequency attached by ClinVar (database versions not stated): TOPMed below 0.00001.
gnomAD v4.1: 2 of 1,536,230 alleles (0.00013%); highest among the groups gnomAD compares: Non-Finnish European, 0.00018%; no homozygotes.

Submission:

Labcorp Genetics (formerly Invitae), Labcorp
Classification: Uncertain significance. Last evaluated: 2022-01-13. Review status: criteria provided, single submitter. Criteria: Invitae Variant Classification Sherloc (09022015). Collection method: clinical testing. Allele origin: germline.
Comment: This variant has not been reported in the literature in individuals affected with ADGRV1-related conditions. In summary, the available evidence is currently insufficient to determine the role of this variant in disease. Therefore, it has been classified as a Variant of Uncertain Significance. Algorithms developed to predict the effect of missense changes on protein structure and function are either unavailable or do not agree on the potential impact of this missense change (SIFT: "Deleterious"; PolyPhen-2: "Probably Damaging"; Align-GVGD: "Class C0"). ClinVar contains an entry for this variant (Variation ID: 1059315). This variant is not present in population databases (gnomAD no frequency). This sequence change replaces glycine, which is neutral and non-polar, with alanine, which is neutral and non-polar, at codon 2233 of the ADGRV1 protein (p.Gly2233Ala).